The following is an entry in ClinVar:

ClinVar aggregate classification (germline): Uncertain significance. Review status: criteria provided, multiple submitters, no conflicts (2 of 4 stars). 2 submissions from 2 submitters: Uncertain significance (2). Last evaluated 2024-10-20.

Conditions:
Hereditary cancer-predisposing syndrome. Also called: Neoplastic Syndromes, Hereditary; Tumor predisposition; Hereditary neoplastic syndrome; Hereditary Cancer Syndrome. Identifiers: Orphanet 140162, MedGen C0027672, MeSH D009386, MONDO:0015356.
Microcephaly, normal intelligence and immunodeficiency (NBS). Also called: Ataxia telangiectasia variant V1; Nijmegen breakage syndrome; Microcephaly with normal intelligence immunodeficiency and lymphoreticular malignancies; Nonsyndromal microcephaly autosomal recessive with normal intelligence; Seemanova syndrome 2; IMMUNODEFICIENCY, MICROCEPHALY, AND CHROMOSOMAL INSTABILITY. Identifiers: Orphanet 647, MedGen C0398791, MONDO:0009623, OMIM 251260.

Allele frequency attached by ClinVar (database versions not stated): gnomAD exomes below 0.00001.

Submissions (2):

Ambry Genetics
Classification: Uncertain significance for Hereditary cancer-predisposing syndrome. Last evaluated: 2024-10-20. Review status: criteria provided, single submitter. Criteria: Ambry Variant Classification Scheme 2023. Collection method: clinical testing. Allele origin: germline.
Comment: The p.A232T variant (also known as c.694G>A), located in coding exon 6 of the NBN gene, results from a G to A substitution at nucleotide position 694. The alanine at codon 232 is replaced by threonine, an amino acid with similar properties. This amino acid position is well conserved in available vertebrate species. In addition, this alteration is predicted to be tolerated by in silico analysis. Since supporting evidence is limited at this time, the clinical significance of this alteration remains unclear.

Labcorp Genetics (formerly Invitae), Labcorp
Classification: Uncertain significance for Microcephaly, normal intelligence and immunodeficiency. Last evaluated: 2022-07-06. Review status: criteria provided, single submitter. Criteria: Invitae Variant Classification Sherloc (09022015). Collection method: clinical testing. Allele origin: germline.
Comment: This sequence change replaces alanine, which is neutral and non-polar, with threonine, which is neutral and polar, at codon 232 of the NBN protein (p.Ala232Thr). This variant is not present in population databases (gnomAD no frequency). This variant has not been reported in the literature in individuals affected with NBN-related conditions. ClinVar contains an entry for this variant (Variation ID: 239205). Algorithms developed to predict the effect of missense changes on protein structure and function (SIFT, PolyPhen-2, Align-GVGD) all suggest that this variant is likely to be tolerated. In summary, the available evidence is currently insufficient to determine the role of this variant in disease. Therefore, it has been classified as a Variant of Uncertain Significance.

NM_002485.5(NBN):c.694G>A (p.Ala232Thr)

Gene: NBN (nibrin; minus strand). Cytogenetic location: 8q21.3.
Variant type: single nucleotide variant.
Coding change: c.694G>A on transcript NM_002485.5 (MANE Select); coding-DNA position 694, G replaced by A.
Protein change: p.Ala232Thr; replaces alanine 232 with threonine.
Molecular consequence: missense variant.
Genome position (GRCh38, 1-based): chr8:89,971,181, C>T on the plus strand (G>A on the coding strand, the complement: NBN is on the minus strand). VCF-style: chr8-89971181-C-T. GRCh37 (hg19) VCF-style: chr8-90983409-C-T.
Other names: c.448G>A, p.Ala150Thr (NM_001024688.3); short protein forms A232T, A150T.
Identifiers: ClinVar variation 239205 (VCV000239205.9), dbSNP rs878854515, ClinGen allele CA10582603.